The following is an entry in ClinVar:

NM_001184880.2(PCDH19):c.3020A>C (p.Asp1007Ala)

Gene: PCDH19 (protocadherin 19; minus strand). Cytogenetic location: Xq22.1.
Variant type: single nucleotide variant.
Coding change: c.3020A>C on transcript NM_001184880.2 (MANE Select); coding-DNA position 3020, A replaced by C.
Protein change: p.Asp1007Ala; replaces aspartic acid 1007 with alanine.
Molecular consequence: missense variant.
Genome position (GRCh38, 1-based): chrX:100,296,704, T>G on the plus strand (A>C on the coding strand, the complement: PCDH19 is on the minus strand). VCF-style: chrX-100296704-T-G. GRCh37 (hg19) VCF-style: chrX-99551702-T-G.
Other names: c.2879A>C, p.Asp960Ala (NM_001105243.2); c.2876A>C, p.Asp959Ala (NM_020766.3); short protein forms D959A, D1007A, D960A.
Identifiers: ClinVar variation 2870827 (VCV002870827.3), dbSNP rs2520447667, ClinGen allele CA414000624.
Genomic context (GRCh38, chrX:100,296,704, plus strand): 5'-GCCGGGTGGTCGCTGACATCTTTCCCAAAGGTTGCGAAAGTCCGTTTGGTGGGGCCGCAG[T>G]CGTCATAAGCCTCGACATCAGCAGCAGTAGCTTCAATAGACAGCGCGATGATGTTCCTCA-3'
Protein context (NP_001171809.1, residues 997-1017): ATAADVEAYD[Asp1007Ala]CGPTKRTFAT

ClinVar aggregate classification (germline): Uncertain significance (1 of 4 stars; one submission).

Conditions:
Developmental and epileptic encephalopathy, 9 (DEE9). Also called: Early infantile epileptic encephalopathy 9; EPILEPSY, FEMALE-RESTRICTED, WITH MENTAL RETARDATION; JUBERG-HELLMAN SYNDROME; PCDH19-Related X-Linked Female-Limited Epilepsy with Mental Retardation. Identifiers: Orphanet 101039, Orphanet 2076, MedGen C1848137, MONDO:0010246, OMIM 300088. Disease mechanism: loss of function.

Submission:

Labcorp Genetics (formerly Invitae), Labcorp
Classification: Uncertain significance for Developmental and epileptic encephalopathy, 9. Last evaluated: 2023-06-18. Review status: criteria provided, single submitter. Criteria: Invitae Variant Classification Sherloc (09022015). Collection method: clinical testing. Allele origin: germline.
Comment: In summary, the available evidence is currently insufficient to determine the role of this variant in disease. Therefore, it has been classified as a Variant of Uncertain Significance. Advanced modeling of protein sequence and biophysical properties (such as structural, functional, and spatial information, amino acid conservation, physicochemical variation, residue mobility, and thermodynamic stability) performed at Invitae indicates that this missense variant is not expected to disrupt PCDH19 protein function. This variant has not been reported in the literature in individuals affected with PCDH19-related conditions. This variant is not present in population databases (gnomAD no frequency). This sequence change replaces aspartic acid, which is acidic and polar, with alanine, which is neutral and non-polar, at codon 1007 of the PCDH19 protein (p.Asp1007Ala).